The following is an entry in ClinVar:

ClinVar aggregate classification (germline): Uncertain significance (1 of 4 stars; one submission).

Conditions:
Developmental and epileptic encephalopathy, 31A. Also called: Epileptic encephalopathy, early infantile, 31; Developmental and epileptic encephalopathy, 31. Identifiers: Orphanet 2382, MedGen C4225357, MONDO:0014598, OMIM 616346.

Allele frequency attached by ClinVar (database versions not stated): gnomAD exomes below 0.00001; TOPMed below 0.00001.
gnomAD v4.1: 1 of 1,375,482 alleles (0.000073%); highest among the groups gnomAD compares: Admixed American, 0.0033%; no homozygotes.

Submission:

Labcorp Genetics (formerly Invitae), Labcorp
Classification: Uncertain significance for Developmental and epileptic encephalopathy, 31A. Last evaluated: 2025-06-11. Review status: criteria provided, single submitter. Criteria: Invitae Variant Classification Sherloc (09022015). Collection method: clinical testing. Allele origin: germline.
Comment: This sequence change replaces asparagine, which is neutral and polar, with isoleucine, which is neutral and non-polar, at codon 837 of the DNM1 protein (p.Asn837Ile). The frequency data for this variant in the population databases is considered unreliable, as metrics indicate poor data quality at this position in the gnomAD database. This variant has not been reported in the literature in individuals affected with DNM1-related conditions. ClinVar contains an entry for this variant (Variation ID: 2900039). Invitae Evidence Modeling of protein sequence and biophysical properties (such as structural, functional, and spatial information, amino acid conservation, physicochemical variation, residue mobility, and thermodynamic stability) indicates that this missense variant is not expected to disrupt DNM1 protein function with a negative predictive value of 95%. In summary, the available evidence is currently insufficient to determine the role of this variant in disease. Therefore, it has been classified as a Variant of Uncertain Significance.

NM_004408.4(DNM1):c.2510A>T (p.Asn837Ile)

Gene: DNM1 (dynamin 1; plus strand). Cytogenetic location: 9q34.11.
Variant type: single nucleotide variant.
Coding change: c.2510A>T on transcript NM_004408.4 (MANE Select); coding-DNA position 2510, A replaced by T.
Protein change: p.Asn837Ile; replaces asparagine 837 with isoleucine.
Molecular consequence: missense variant.
Genome position (GRCh38, 1-based): chr9:128,250,916, A>T. VCF-style: chr9-128250916-A-T. GRCh37 (hg19) VCF-style: chr9-131013195-A-T.
Other names: c.2510A>T, p.Asn837Ile (NM_001005336.3, NM_001288737.2, NM_001288738.2 and 2 more transcripts); short protein forms N837I.
Identifiers: ClinVar variation 2900039 (VCV002900039.3), dbSNP rs1205305266, ClinGen allele CA375002015.